The following is an entry in ClinVar:

NM_000392.5(ABCC2):c.36T>C (p.Asn12=)

Genes: ABCC2 (ATP binding cassette subfamily C member 2; plus strand), LOC108281165 (MED14-independent group 3 enhancer GRCh37_chr10:101544125-101545324; plus strand). Cytogenetic location: 10q24.2.
Variant type: single nucleotide variant.
Coding change: c.36T>C on transcript NM_000392.5 (MANE Select); coding-DNA position 36, T replaced by C.
Protein change: p.Asn12=; no amino-acid change (asparagine 12 retained).
Molecular consequence: synonymous variant.
Genome position (GRCh38, 1-based): chr10:99,784,610, T>C. VCF-style: chr10-99784610-T-C. GRCh37 (hg19) VCF-style: chr10-101544367-T-C.
Other names: c.36T>C (NM_000392.4).
Identifiers: ClinVar variation 3008941 (VCV003008941.4), dbSNP rs1400448508, ClinGen allele CA471131845.
Genomic context (GRCh38, chr10:99,784,610, plus strand): 5'-GGTGGTTTTCTGTCTTCACAATGCATGTATGCAACAATCCTTCCCCTTTGGTCTCCAGAA[T>C]TCCTCATTCCTGGACAGTCCGGAGGCAGACCTGCCACTTTGTTTTGAGCAAACTGTTCTG-3'
Protein context (NP_000383.2, residues 2-22): LEKFCNSTFW[Asn12=]SSFLDSPEAD

ClinVar aggregate classification (germline): Likely benign. Review status: criteria provided, multiple submitters, no conflicts (2 of 4 stars). 2 submissions from 2 submitters: Likely benign (2). Last evaluated 2025-08-18.

Conditions:
ABCC2-related disorder. Also called: ABCC2-related condition.

Allele frequency attached by ClinVar (database versions not stated): gnomAD exomes 0.00002; TOPMed 0.00002; gnomAD 0.00003.
gnomAD v4.1: 33 of 1,613,950 alleles (0.002%); highest among the groups gnomAD compares: Non-Finnish European, 0.0025%; no homozygotes.

Submissions (2):

PreventionGenetics, part of Exact Sciences
Classification: Likely benign for ABCC2-related condition. Last evaluated: 2025-08-18. Review status: criteria provided, single submitter. Criteria: ACMG Guidelines, 2015. Collection method: clinical testing. Allele origin: germline.
Comment: This variant is classified as likely benign based on ACMG/AMP sequence variant interpretation guidelines (Richards et al. 2015 PMID: 25741868, with internal and published modifications).

Labcorp Genetics (formerly Invitae), Labcorp
Classification: Likely benign. Last evaluated: 2023-11-10. Review status: criteria provided, single submitter. Criteria: Invitae Variant Classification Sherloc (09022015). Collection method: clinical testing. Allele origin: germline.